The following is an entry in ClinVar:

ClinVar aggregate classification (germline): Uncertain significance (1 of 4 stars; one submission).

Conditions:
Hyperkalemic periodic paralysis. Also called: Familial hyperkalemic periodic paralysis; Gamstorp disease. Identifiers: Orphanet 682, MedGen C0238357, MONDO:0008224, OMIM 170500, HP:0007215.

gnomAD v4.1: 4 of 1,583,530 alleles (0.00025%); highest among the groups gnomAD compares: Admixed American, 0.0018%; no homozygotes.

Submission:

Labcorp Genetics (formerly Invitae), Labcorp
Classification: Uncertain significance for Hyperkalemic periodic paralysis. Last evaluated: 2025-10-23. Review status: criteria provided, single submitter. Criteria: Invitae Variant Classification Sherloc (09022015). Collection method: clinical testing. Allele origin: germline.
Comment: This sequence change replaces glycine, which is neutral and non-polar, with aspartic acid, which is acidic and polar, at codon 1830 of the SCN4A protein (p.Gly1830Asp). This variant is not present in population databases (gnomAD no frequency). This variant has not been reported in the literature in individuals affected with SCN4A-related conditions. Invitae Evidence Modeling of protein sequence and biophysical properties (such as structural, functional, and spatial information, amino acid conservation, physicochemical variation, residue mobility, and thermodynamic stability) indicates that this missense variant is not expected to disrupt SCN4A protein function with a negative predictive value of 95%. In summary, the available evidence is currently insufficient to determine the role of this variant in disease. Therefore, it has been classified as a Variant of Uncertain Significance.

NM_000334.4(SCN4A):c.5489G>A (p.Gly1830Asp)

Genes: GH-LCR (growth hormone locus control region; plus strand), SCN4A (sodium voltage-gated channel alpha subunit 4; minus strand). Cytogenetic location: 17q23.3.
Variant type: single nucleotide variant.
Coding change: c.5489G>A on transcript NM_000334.4 (MANE Select); coding-DNA position 5489, G replaced by A.
Protein change: p.Gly1830Asp; replaces glycine 1830 with aspartic acid.
Molecular consequence: missense variant.
Genome position (GRCh38, 1-based): chr17:63,940,793, C>T on the plus strand (G>A on the coding strand, the complement: SCN4A is on the minus strand). VCF-style: chr17-63940793-C-T. GRCh37 (hg19) VCF-style: chr17-62018153-C-T.
Other names: short protein forms G1830D.
Identifiers: ClinVar variation 4738898 (VCV004738898.1).